The following is an entry in ClinVar:

ClinVar aggregate classification (germline): Likely pathogenic. Review status: reviewed by expert panel (3 of 4 stars). 3 submissions from 3 submitters: Likely pathogenic (1). 2 of the submissions do not count toward it. Last evaluated 2022-09-05.

Conditions:
Very long chain acyl-CoA dehydrogenase deficiency (ACADVLD). Also called: Very Long-Chain Acyl-Coenzyme A Dehydrogenase Deficiency; VLCAD Deficiency. Identifiers: Orphanet 26793, MedGen C3887523, MONDO:0008723, OMIM 201475.

Submissions (3):

ClinGen ACADVL Variant Curation Expert Panel, ClinGen
Classification: Likely pathogenic for Very long chain acyl-CoA dehydrogenase deficiency. Last evaluated: 2022-09-05. Review status: reviewed by expert panel. Criteria: clingen acadvl acmg specifications v1. Collection method: curation. Allele origin: germline. Inheritance: Autosomal recessive inheritance.
Comment: The c.1605+2T>A (p.?) variant in ACADVL occurs within the canonical splice donor site (+2) of intron 16. It is predicted to cause skipping of biologically-relevant-exon 16/20, resulting in a frameshift leading to nonsense mediated decay in a gene in which loss-of-function is an established disease mechanism (PVS1; PMIDs 9973285, 11590124). To our knowledge, this variant has not been reported in the literature in any individuals with VLCADD. To our knowledge, functional assays have not been reported for this variant. This variant is absent from gnomAD 2.1.1 (PM2_Supporting). In summary, this variant meets the criteria to be classified as LIKELY PATHOGENIC for autosomal recessive very long chain acyl-CoA dehydrogenase (VLCAD) deficiency based on the ACMG/AMP criteria applied, as specified by the ClinGen ACADVL Variant Curation Expert Panel: PVS1, PM2_Supporting (ClinGen ACADVL VCEP specifications version#1; 09-05-2022).

Molecular Genetics, Royal Melbourne Hospital
Classification: Likely pathogenic for Very long chain acyl-CoA dehydrogenase deficiency. Last evaluated: 2024-03-01. Review status: criteria provided, single submitter. Criteria: ACMG Guidelines, 2015. Collection method: clinical testing. Allele origin: germline. Inheritance: Autosomal recessive inheritance. Not counted in ClinVar's aggregate classification.
Comment: This sequence change in ACADVL occurs within the canonical splice donor site of intron 16. It is predicted to cause skipping of biologically relevant exon 16/20, resulting in a frameshift leading to nonsense-mediated decay in a gene in which loss-of-function is an established disease mechanism. This variant is absent from the population database gnomAD v4.0. To our knowledge, this variant has not been previously reported in the relevant scientific literature. Based on the classification scheme RMH Modified ACMG/AMP Guidelines v1.6.1, this variant is classified as LIKELY PATHOGENIC. Following criteria are met: PVS1, PM2_Supporting.

Wong Mito Lab, Molecular and Human Genetics, Baylor College of Medicine
Classification: Pathogenic for Very long chain acyl-CoA dehydrogenase deficiency. Last evaluated: 2019-11-01. Review status: criteria provided, single submitter. Criteria: ACMG Guidelines, 2015. Collection method: clinical testing. Allele origin: germline. Not counted in ClinVar's aggregate classification.
Comment: The NM_000018.3:c.1605+2T>A (NP_000009.1:p.?) [GRCH38: NC_000017.11:g.7224395T>A] variant in ACADVL gene is interpretated to be Pathogenic based on ACMG guidelines (PMID: 25741868). This variant has been reported. This variant meets the following evidence codes reported in the ACMG guidelines: PVS1, PS3

NM_000018.4(ACADVL):c.1605+2T>A

Gene: ACADVL (acyl-CoA dehydrogenase very long chain; plus strand). Cytogenetic location: 17p13.1.
Variant type: single nucleotide variant.
Coding change: c.1605+2T>A on transcript NM_000018.4 (MANE Select); the canonical splice donor site of the intron after coding-DNA position 1605, T replaced by A.
Molecular consequence: splice donor variant.
Genome position (GRCh38, 1-based): chr17:7,224,395, T>A. VCF-style: chr17-7224395-T-A. GRCh37 (hg19) VCF-style: chr17-7127714-T-A.
Other names: c.1674+2T>A (NM_001270447.2); c.1377+2T>A (NM_001270448.2); c.1539+2T>A (NM_001033859.3).
Identifiers: ClinVar variation 932832 (VCV000932832.4), dbSNP rs1597537351, ClinGen allele CA397725472.
Genomic context (GRCh38, chr17:7,224,395, plus strand): 5'-GCAGCGGCCTGAGTCTCAGCGGACTTGTCCACCCGGAGTTGAGTCGGAGTGGCGAGCTGG[T>A]AAGTGGCCAGGGGTCCAGGAGAGCCTGCATCAGGGACTGCAGCCGATGGCCCCTCTGAGC-3'